The following is an entry in ClinVar:

ClinVar aggregate classification (germline): Uncertain significance (1 of 4 stars; one submission).

Allele frequency attached by ClinVar (database versions not stated): gnomAD exomes below 0.00001; TOPMed below 0.00001.
gnomAD v4.1: 2 of 1,551,552 alleles (0.00013%); highest among the groups gnomAD compares: East Asian, 0.0049%; no homozygotes.

Submission:

Labcorp Genetics (formerly Invitae), Labcorp
Classification: Uncertain significance. Last evaluated: 2023-10-29. Review status: criteria provided, single submitter. Criteria: Invitae Variant Classification Sherloc (09022015). Collection method: clinical testing. Allele origin: germline.
Comment: This sequence change replaces methionine, which is neutral and non-polar, with threonine, which is neutral and polar, at codon 24 of the SLC51B protein (p.Met24Thr). This variant is not present in population databases (gnomAD no frequency). This variant has not been reported in the literature in individuals affected with SLC51B-related conditions. An algorithm developed to predict the effect of missense changes on protein structure and function (PolyPhen-2) suggests that this variant is likely to be disruptive. In summary, the available evidence is currently insufficient to determine the role of this variant in disease. Therefore, it has been classified as a Variant of Uncertain Significance.

NM_178859.4(SLC51B):c.71T>C (p.Met24Thr)

Genes: RASL12 (RAS like family 12; minus strand), SLC51B (SLC51 subunit beta; plus strand). Cytogenetic location: 15q22.31.
Variant type: single nucleotide variant.
Coding change: c.71T>C on transcript NM_178859.4 (MANE Select); coding-DNA position 71, T replaced by C.
Protein change: p.Met24Thr; replaces methionine 24 with threonine.
Molecular consequence: missense variant.
Genome position (GRCh38, 1-based): chr15:65,050,075, T>C. VCF-style: chr15-65050075-T-C. GRCh37 (hg19) VCF-style: chr15-65342413-T-C.
Other names: short protein forms M24T.
Identifiers: ClinVar variation 2772761 (VCV002772761.3), dbSNP rs1483414364, ClinGen allele CA392871113.
Genomic context (GRCh38, chr15:65,050,075, plus strand): 5'-GTGAGGGGGCTCCCGGAGACCCAGCCGGTACTGTGGTACCCCAGGAGCTGCTGGAAGAGA[T>C]GCTTTGGTTTTTTCGTGTGGAAGATGGTAAGTGGTGAGAGATTGACGGCAGGGGTGGGGG-3'
Protein context (NP_849190.2, residues 14-34): TVVPQELLEE[Met24Thr]LWFFRVEDAS